The following is an entry in ClinVar:

NM_000136.3(FANCC):c.928G>T (p.Glu310Ter)

Genes: AOPEP (aminopeptidase O (putative); plus strand), FANCC (FA complementation group C; minus strand). Cytogenetic location: 9q22.32.
Variant type: single nucleotide variant.
Coding change: c.928G>T on transcript NM_000136.3 (MANE Select); coding-DNA position 928, G replaced by T.
Protein change: p.Glu310Ter; replaces glutamic acid 310 with a stop codon.
Molecular consequence: nonsense.
Genome position (GRCh38, 1-based): chr9:95,125,154, C>A on the plus strand (G>T on the coding strand, the complement: FANCC is on the minus strand). VCF-style: chr9-95125154-C-A. GRCh37 (hg19) VCF-style: chr9-97887436-C-A.
Other names: c.928G>T, p.Glu310Ter (NM_001243743.2, NM_001243744.2); short protein forms E310*.
Identifiers: ClinVar variation 4817554 (VCV004817554.1).

ClinVar aggregate classification (germline): Likely pathogenic (1 of 4 stars; one submission).

Conditions:
Fanconi anemia (FA). Also called: Fanconi's anemia. Identifiers: Orphanet 84, MedGen C0015625, MeSH D005199, MONDO:0019391.

Submission:

Natera, Inc.
Classification: Likely pathogenic for Fanconi anemia. Last evaluated: 2025-10-13. Review status: criteria provided, single submitter. Criteria: Natera Variant Classification Schema (03/2026). Collection method: clinical testing. Allele origin: germline.
Comment: The c.928G>T variant in FANCC is a nonsense variant predicted to introduce a stop codon at amino acid 310. This variant is expected to result in nonsense mediated decay, truncation, or a dysfunctional protein product. This variant is rare in the general population with a frequency below the threshold expected for the associated phenotype(s). Given the available evidence, this variant is classified as Likely Pathogenic.